The following is an entry in ClinVar:

NC_000010.11:g.(?_71828004)_(71834515_?)dup

Gene: PSAP (prosaposin; minus strand). Cytogenetic location: 10q22.1.
Variant type: Duplication.
Identifiers: ClinVar variation 832143 (VCV000832143.6).

ClinVar aggregate classification (germline): Likely pathogenic (1 of 4 stars; one submission).

Conditions:
Sphingolipid activator protein 1 deficiency. Also called: Metachromatic leukodystrophy due to saposin B deficiency; Saposin B Deficiency; METACHROMATIC LEUKODYSTROPHY DUE TO CEREBROSIDE SULFATASE ACTIVATOR DEFICIENCY. Identifiers: Orphanet 512, MedGen C0268262, MONDO:0009590, OMIM 249900.

Submission:

Labcorp Genetics (formerly Invitae), Labcorp
Classification: Likely pathogenic for Sphingolipid activator protein 1 deficiency. Last evaluated: 2019-03-05. Review status: criteria provided, single submitter. Criteria: Invitae Variant Classification Sherloc (09022015). Collection method: clinical testing. Allele origin: germline.
Comment: In summary, the currently available evidence indicates that the variant is pathogenic, but additional data are needed to prove that conclusively. Therefore, this variant has been classified as Likely Pathogenic. Loss-of-function variants in PSAP are known to be pathogenic (PMID: 11309366, 19267410). This variant has not been reported in the literature in individuals with PSAP-related conditions. This variant results in a copy number gain of the genomic region encompassing exons 2-6 of the PSAP gene. While the exact position of this variant cannot be determined from this data, sub-genic copy number gains are generally in tandem (PMID: 25640679) and may result in an absent or disrupted protein product.

Literature cited by the submitters: PubMed 11309366; PubMed 19267410; PubMed 25640679.